The following is an entry in ClinVar:

ClinVar aggregate classification (germline): Uncertain significance (1 of 4 stars; one submission).

Allele frequency attached by ClinVar (database versions not stated): ExAC 0.00001; gnomAD 0.00002; gnomAD exomes 0.00002; TOPMed 0.00005; ESP Exome Variant Server 0.00015.
gnomAD v4.1: 30 of 1,614,012 alleles (0.0019%); highest among the groups gnomAD compares: Middle Eastern, 0.016%; no homozygotes.

Submission:

Labcorp Genetics (formerly Invitae), Labcorp
Classification: Uncertain significance. Last evaluated: 2022-06-22. Review status: criteria provided, single submitter. Criteria: Invitae Variant Classification Sherloc (09022015). Collection method: clinical testing. Allele origin: germline.
Comment: In summary, the available evidence is currently insufficient to determine the role of this variant in disease. Therefore, it has been classified as a Variant of Uncertain Significance. Algorithms developed to predict the effect of missense changes on protein structure and function are either unavailable or do not agree on the potential impact of this missense change (SIFT: "Deleterious"; PolyPhen-2: "Benign"; Align-GVGD: "Class C0"). This variant has not been reported in the literature in individuals affected with NANS-related conditions. This variant is present in population databases (rs145469363, gnomAD 0.008%). This sequence change replaces arginine, which is basic and polar, with glutamine, which is neutral and polar, at codon 64 of the NANS protein (p.Arg64Gln).

NM_018946.4(NANS):c.191G>A (p.Arg64Gln)

Genes: NANS (N-acetylneuraminate synthase; plus strand), TRIM14 (tripartite motif containing 14; minus strand). Cytogenetic location: 9q22.33.
Variant type: single nucleotide variant.
Coding change: c.191G>A on transcript NM_018946.4 (MANE Select); coding-DNA position 191, G replaced by A.
Protein change: p.Arg64Gln; replaces arginine 64 with glutamine.
Molecular consequence: missense variant.
Genome position (GRCh38, 1-based): chr9:98,060,840, G>A. VCF-style: chr9-98060840-G-A. GRCh37 (hg19) VCF-style: chr9-100823122-G-A.
Other names: short protein forms R64Q.
Identifiers: ClinVar variation 2179299 (VCV002179299.3), dbSNP rs145469363, ClinGen allele CA5150204.